The following is an entry in ClinVar:

NM_001854.4(COL11A1):c.1147T>A (p.Phe383Ile)

Gene: COL11A1 (collagen type XI alpha 1 chain; minus strand). Cytogenetic location: 1p21.1.
Variant type: single nucleotide variant.
Coding change: c.1147T>A on transcript NM_001854.4 (MANE Select); coding-DNA position 1147, T replaced by A.
Protein change: p.Phe383Ile; replaces phenylalanine 383 with isoleucine.
Molecular consequence: missense variant. On other transcripts: non-coding transcript variant (1), intron variant (1).
Genome position (GRCh38, 1-based): chr1:103,022,840, A>T on the plus strand (T>A on the coding strand, the complement: COL11A1 is on the minus strand). VCF-style: chr1-103022840-A-T. GRCh37 (hg19) VCF-style: chr1-103488396-A-T.
Other names: c.1030T>A, p.Phe344Ile (NM_001190709.2); c.1183T>A, p.Phe395Ile (NM_080629.3); c.898-1071T>A (NM_080630.4); short protein forms F344I, F383I, F395I.
Identifiers: ClinVar variation 1304705 (VCV001304705.5), dbSNP rs368746938, ClinGen allele CA975108.
Genomic context (GRCh38, chr1:103,022,840, plus strand): 5'-GACCAAATTCTTCATTAGGGGGGCTTGTTGGTTTATCTTCATATTCTTTATATTCATAAA[A>T]ATCATATTCGCCTAAATCTCCATCTACCAGAAGATCAGAATCCCTGCCGTCTATTTCTTT-3'
Protein context (NP_001845.3, residues 373-393): LVDGDLGEYD[Phe383Ile]YEYKEYEDKP

ClinVar aggregate classification (germline): Conflicting classifications of pathogenicity. Review status: criteria provided, conflicting classifications (1 of 4 stars). 2 submissions from 2 submitters: Uncertain significance (1); Benign (1). Last evaluated 2025-04-03.

Allele frequency attached by ClinVar (database versions not stated): ExAC 0.00001; gnomAD 0.00003; gnomAD exomes below 0.00001; ESP Exome Variant Server 0.00008; TOPMed 0.00003.
gnomAD v4.1: 9 of 1,613,786 alleles (0.00056%); highest among the groups gnomAD compares: African/African-American, 0.0093%; no homozygotes.

Submissions (2):

Labcorp Genetics (formerly Invitae), Labcorp
Classification: Benign. Last evaluated: 2025-04-03. Review status: criteria provided, single submitter. Criteria: Invitae Variant Classification Sherloc (09022015). Collection method: clinical testing. Allele origin: germline.

GeneDx
Classification: Uncertain significance. Last evaluated: 2019-11-15. Review status: criteria provided, single submitter. Criteria: GeneDx Variant Classification Process June 2021. Collection method: clinical testing. Allele origin: germline. Affected: yes.
Comment: Not observed at a significant frequency in large population cohorts (Lek et al., 2016); In silico analysis, which includes protein predictors and evolutionary conservation, supports that this variant does not alter protein structure/function; Has not been previously published as pathogenic or benign to our knowledge